The following is an entry in ClinVar:

ClinVar aggregate classification (germline): Uncertain significance (1 of 4 stars; one submission).

Allele frequency attached by ClinVar (database versions not stated): gnomAD 0.00001; gnomAD exomes 0.00002.
gnomAD v4.1: 30 of 1,581,514 alleles (0.0019%); highest among the groups gnomAD compares: Non-Finnish European, 0.0025%; no homozygotes.

Submission:

Labcorp Genetics (formerly Invitae), Labcorp
Classification: Uncertain significance. Last evaluated: 2022-07-11. Review status: criteria provided, single submitter. Criteria: Invitae Variant Classification Sherloc (09022015). Collection method: clinical testing. Allele origin: germline.
Comment: This sequence change replaces valine, which is neutral and non-polar, with leucine, which is neutral and non-polar, at codon 97 of the ASAH1 protein (p.Val97Leu). This variant is not present in population databases (gnomAD no frequency). This variant has not been reported in the literature in individuals affected with ASAH1-related conditions. ClinVar contains an entry for this variant (Variation ID: 1405684). Algorithms developed to predict the effect of missense changes on protein structure and function are either unavailable or do not agree on the potential impact of this missense change (SIFT: "Deleterious"; PolyPhen-2: "Benign"; Align-GVGD: "Class C0"). This variant disrupts the p.Val97 amino acid residue in ASAH1. Other variant(s) that disrupt this residue have been determined to be pathogenic (PMID: 12638942, 21893389, 31022067). This suggests that this residue is clinically significant, and that variants that disrupt this residue are likely to be disease-causing. In summary, the available evidence is currently insufficient to determine the role of this variant in disease. Therefore, it has been classified as a Variant of Uncertain Significance.

Literature cited by the submitters: PubMed 12638942; PubMed 21893389; PubMed 31022067.

NM_177924.5(ASAH1):c.289G>C (p.Val97Leu)

Gene: ASAH1 (N-acylsphingosine amidohydrolase 1; minus strand). Cytogenetic location: 8p22.
Variant type: single nucleotide variant.
Coding change: c.289G>C on transcript NM_177924.5 (MANE Select); coding-DNA position 289, G replaced by C.
Protein change: p.Val97Leu; replaces valine 97 with leucine.
Molecular consequence: missense variant. On other transcripts: intron variant (1).
Genome position (GRCh38, 1-based): chr8:18,069,806, C>G on the plus strand (G>C on the coding strand, the complement: ASAH1 is on the minus strand). VCF-style: chr8-18069806-C-G. GRCh37 (hg19) VCF-style: chr8-17927315-C-G.
Other names: c.94G>C, p.Val32Leu (NM_001363743.2); c.337G>C, p.Val113Leu (NM_004315.6); c.285+1494G>C (NM_001127505.3); short protein forms V32L, V97L, V113L.
Identifiers: ClinVar variation 1405684 (VCV001405684.5), dbSNP rs1220911905, ClinGen allele CA370433055.